The following is an entry in ClinVar:

NM_024675.4(PALB2):c.1130A>C (p.Gln377Pro)

Gene: PALB2 (partner and localizer of BRCA2; minus strand). Cytogenetic location: 16p12.2.
Variant type: single nucleotide variant.
Coding change: c.1130A>C on transcript NM_024675.4 (MANE Select); coding-DNA position 1130, A replaced by C.
Protein change: p.Gln377Pro; replaces glutamine 377 with proline.
Molecular consequence: missense variant.
Genome position (GRCh38, 1-based): chr16:23,635,416, T>G on the plus strand (A>C on the coding strand, the complement: PALB2 is on the minus strand). VCF-style: chr16-23635416-T-G. GRCh37 (hg19) VCF-style: chr16-23646737-T-G.
Other names: short protein forms Q377P.
Identifiers: ClinVar variation 490066 (VCV000490066.24), dbSNP rs1358484245, ClinGen allele CA395133650.

ClinVar aggregate classification (germline): Conflicting classifications of pathogenicity. Review status: criteria provided, conflicting classifications (1 of 4 stars). 6 submissions from 6 submitters: Uncertain significance (5); Benign (1). Last evaluated 2025-10-07.

Conditions:
Hereditary cancer-predisposing syndrome. Also called: Tumor predisposition; Neoplastic Syndromes, Hereditary; Hereditary Cancer Syndrome; Hereditary neoplastic syndrome. Identifiers: Orphanet 140162, MedGen C0027672, MeSH D009386, MONDO:0015356.
Pancreatic cancer, susceptibility to, 3. Identifiers: Orphanet 1333, MedGen C3150547, MONDO:0013236, OMIM 613348.
Fanconi anemia complementation group N. Also called: PALB2-Related Fanconi Anemia. Identifiers: Orphanet 84, MedGen C1835817, MONDO:0012565, OMIM 610832. Disease mechanism: loss of function.
Familial cancer of breast. Also called: BREAST CANCER, FAMILIAL; hereditary breast carcinoma; Hereditary breast cancer. Identifiers: Orphanet 227535, MedGen C0346153, MONDO:0016419, OMIM 114480. Disease mechanism: loss of function.

Allele frequency attached by ClinVar (database versions not stated): TOPMed below 0.00001; gnomAD 0.00001; gnomAD exomes 0.00001.
gnomAD v4.1: 8 of 1,613,848 alleles (0.0005%); highest among the groups gnomAD compares: Non-Finnish European, 0.00068%; no homozygotes.

Submissions (6):

Ambry Genetics
Classification: Benign for Hereditary cancer-predisposing syndrome. Last evaluated: 2025-10-07. Review status: criteria provided, single submitter. Criteria: Ambry Variant Classification Scheme 2023. Collection method: clinical testing. Allele origin: germline.

Labcorp Genetics (formerly Invitae), Labcorp
Classification: Uncertain significance for Familial cancer of breast. Last evaluated: 2025-06-19. Review status: criteria provided, single submitter. Criteria: Invitae Variant Classification Sherloc (09022015). Collection method: clinical testing. Allele origin: germline.
Comment: This sequence change replaces glutamine, which is neutral and polar, with proline, which is neutral and non-polar, at codon 377 of the PALB2 protein (p.Gln377Pro). This variant is not present in population databases (gnomAD no frequency). This variant has not been reported in the literature in individuals affected with PALB2-related conditions. ClinVar contains an entry for this variant (Variation ID: 490066). Invitae Evidence Modeling of protein sequence and biophysical properties (such as structural, functional, and spatial information, amino acid conservation, physicochemical variation, residue mobility, and thermodynamic stability) indicates that this missense variant is not expected to disrupt PALB2 protein function with a negative predictive value of 80%. In summary, the available evidence is currently insufficient to determine the role of this variant in disease. Therefore, it has been classified as a Variant of Uncertain Significance.

Color Diagnostics, LLC DBA Color Health
Classification: Uncertain significance for Hereditary cancer-predisposing syndrome. Last evaluated: 2023-12-05. Review status: criteria provided, single submitter. Criteria: ACMG Guidelines, 2015. Collection method: clinical testing. Allele origin: germline.
Comment: This missense variant replaces glutamine with proline at codon 377 of the PALB2 protein. Computational prediction suggests that this variant may not impact protein structure and function (internally defined REVEL score threshold <= 0.5, PMID: 27666373). To our knowledge, functional studies have not been reported for this variant. This variant has not been reported in individuals affected with PALB2-related disorders in the literature. This variant has not been identified in the general population by the Genome Aggregation Database (gnomAD). The available evidence is insufficient to determine the role of this variant in disease conclusively. Therefore, this variant is classified as a Variant of Uncertain Significance.

Baylor Genetics
Classification: Uncertain significance for Familial cancer of breast. Last evaluated: 2023-06-23. Review status: criteria provided, single submitter. Criteria: ACMG Guidelines, 2015. Collection method: clinical testing. Allele origin: unknown.

Fulgent Genetics
Classification: Uncertain significance for Familial cancer of breast; Fanconi anemia complementation group N; Pancreatic cancer, susceptibility to, 3. Last evaluated: 2022-03-29. Review status: criteria provided, single submitter. Criteria: ACMG Guidelines, 2015. Collection method: clinical testing. Allele origin: unknown.

Genetic Services Laboratory, University of Chicago
Classification: Uncertain significance. Last evaluated: 2019-04-15. Review status: criteria provided, single submitter. Criteria: ACMG Guidelines, 2015. Collection method: clinical testing. Allele origin: germline. Affected: no.